The following is an entry in ClinVar:

NM_016138.5(COQ7):c.3G>T (p.Met1Ile)

Genes: COQ7 (coenzyme Q7, hydroxylase; plus strand), COQ7-DT (COQ7 divergent transcript; minus strand), LOC130058587 (ATAC-STARR-seq lymphoblastoid silent region 7240; plus strand). Cytogenetic location: 16p12.3.
Variant type: single nucleotide variant.
Coding change: c.3G>T on transcript NM_016138.5 (MANE Select); coding-DNA position 3, G replaced by T.
Protein change: p.Met1Ile; changes the start codon (methionine 1).
Molecular consequence: missense variant, initiator codon variant. On other transcripts: non-coding transcript variant (5).
Genome position (GRCh38, 1-based): chr16:19,067,667, G>T. VCF-style: chr16-19067667-G-T. GRCh37 (hg19) VCF-style: chr16-19078989-G-T.
Other names: c.3G>T, p.Met1Ile (NM_001370490.1); short protein forms M1I.
Identifiers: ClinVar variation 1463095 (VCV001463095.17), dbSNP rs746489573, ClinGen allele CA7932817.

ClinVar aggregate classification (germline): Conflicting classifications of pathogenicity. Review status: criteria provided, conflicting classifications (1 of 4 stars). 6 submissions from 6 submitters: Pathogenic (2); Likely pathogenic (2); Uncertain significance (1). 1 of the submissions does not count toward it. Last evaluated 2026-01-27.

Conditions:
Primary coenzyme Q10 deficiency 8. Identifiers: MedGen C4225226, MONDO:0014754, OMIM 616733.
Neuronopathy, distal hereditary motor, autosomal recessive 9 (HMNR9). Also called: NEUROPATHY, DISTAL HEREDITARY MOTOR, AUTOSOMAL RECESSIVE 9. Identifiers: Orphanet 658778, MedGen C5882672, MONDO:0957874, OMIM 620402.

Allele frequency attached by ClinVar (database versions not stated): gnomAD exomes below 0.00001; ExAC 0.00001; gnomAD 0.00001; TOPMed 0.00002.

Submissions (6):

GeneDx
Classification: Pathogenic. Last evaluated: 2026-01-27. Review status: criteria provided, single submitter. Criteria: GeneDx Variant Classification Process June 2021. Collection method: clinical testing. Allele origin: germline.
Comment: Published functional studies suggest a damaging effect of impaired mitochondrial function by disrupting translation of COQ7 isoform 1 (PMID: 36454683); Not observed at significant frequency in large population cohorts (gnomAD); Initiation codon variant predicted to alter the protein; however, a downstream in-frame Methionine residue could serve as an alternate initiator codon; This variant is associated with the following publications: (PMID: 37170631, 36454683, 37392700, 38973597, 38375759, 40640372)

3billion
Classification: Likely pathogenic for Neuronopathy, distal hereditary motor, autosomal recessive 9. Last evaluated: 2024-10-17. Review status: criteria provided, single submitter. Criteria: ACMG Guidelines, 2015. Collection method: clinical testing. Allele origin: germline. Affected: yes.
Comment: The variant is observed at an extremely low frequency in the gnomAD v4.1.0 dataset (total allele frequency: <0.001%). Predicted Consequence/Location: Start-lost: reinitiation of translation may occur at a downstream alternate start codon but still result in a loss or disruption of normal protein function as there have been pathogenic variants reported upstream of the alternate start codon. The variant has been reported at least twice as pathogenic without evidence for the classification (ClinVar ID: VCV001463095 /PMID: 37392700 /3billion dataset). Therefore, this variant is classified as Likely pathogenic according to the recommendation of ACMG/AMP guideline.

Laboratorio de Genetica e Diagnostico Molecular, Hospital Israelita Albert Einstein
Classification: Likely pathogenic for Primary coenzyme Q10 deficiency 8. Last evaluated: 2023-10-20. Review status: criteria provided, single submitter. Criteria: ACMG Guidelines, 2015. Collection method: clinical testing. Allele origin: germline. Affected: yes.
Comment: ACMG classification criteria: PVS1 moderate, PS3 supporting, PM2 moderate, PM3 supporting, PP1 supporting

Labcorp Genetics (formerly Invitae), Labcorp
Classification: Uncertain significance. Last evaluated: 2022-10-24. Review status: criteria provided, single submitter. Criteria: Invitae Variant Classification Sherloc (09022015). Collection method: clinical testing. Allele origin: germline.
Comment: This sequence change affects the initiator methionine of the COQ7 mRNA. The next in-frame methionine is located at codon 39. This variant is not present in population databases (gnomAD no frequency). This variant has not been reported in the literature in individuals affected with COQ7-related conditions. ClinVar contains an entry for this variant (Variation ID: 1463095). Experimental studies and prediction algorithms are not available or were not evaluated, and the functional significance of this variant is currently unknown. In summary, the available evidence is currently insufficient to determine the role of this variant in disease. Therefore, it has been classified as a Variant of Uncertain Significance.

Mendelics
Classification: Pathogenic for Primary coenzyme Q10 deficiency 8. Last evaluated: 2022-05-04. Review status: criteria provided, single submitter. Criteria: Mendelics Assertion Criteria 2019. Collection method: clinical testing. Allele origin: germline.

OMIM
Classification: Pathogenic for NEURONOPATHY, DISTAL HEREDITARY MOTOR, AUTOSOMAL RECESSIVE 9. Last evaluated: 2025-07-15. Review status: no assertion criteria provided. Collection method: literature only. Allele origin: germline. Not counted in ClinVar's aggregate classification.

Literature cited by the submitters: PubMed 37392700 (cited by 3billion and OMIM); PubMed 36454683 (cited by OMIM).